The following is an entry in ClinVar:

ClinVar aggregate classification (germline): Uncertain significance (1 of 4 stars; one submission).

Conditions:
Developmental and epileptic encephalopathy, 54. Also called: Epileptic encephalopathy, early infantile, 54; HNRNPU-Related Neurodevelopmental Disorder. Identifiers: MedGen C4479319, MONDO:0033363, OMIM 617391.

Allele frequency attached by ClinVar (database versions not stated): gnomAD exomes below 0.00001; gnomAD 0.00002; TOPMed 0.00002; ESP Exome Variant Server 0.00008.
gnomAD v4.1: 4 of 1,613,758 alleles (0.00025%); highest among the groups gnomAD compares: African/African-American, 0.0027%; no homozygotes.

Submission:

Labcorp Genetics (formerly Invitae), Labcorp
Classification: Uncertain significance for Developmental and epileptic encephalopathy, 54. Last evaluated: 2019-01-01. Review status: criteria provided, single submitter. Criteria: Invitae Variant Classification Sherloc (09022015). Collection method: clinical testing. Allele origin: germline.
Comment: This sequence change replaces glutamine with lysine at codon 273 of the HNRNPU protein (p.Gln273Lys). The glutamine residue is moderately conserved and there is a small physicochemical difference between glutamine and lysine. This variant is not present in population databases (ExAC no frequency). This variant has not been reported in the literature in individuals with HNRNPU-related conditions. Algorithms developed to predict the effect of missense changes on protein structure and function (SIFT, PolyPhen-2, Align-GVGD) all suggest that this variant is likely to be tolerated, but these predictions have not been confirmed by published functional studies and their clinical significance is uncertain. In summary, the available evidence is currently insufficient to determine the role of this variant in disease. Therefore, it has been classified as a Variant of Uncertain Significance.

NM_031844.3(HNRNPU):c.817C>A (p.Gln273Lys)

Gene: HNRNPU (heterogeneous nuclear ribonucleoprotein U; minus strand). Cytogenetic location: 1q44.
Variant type: single nucleotide variant.
Coding change: c.817C>A on transcript NM_031844.3 (MANE Select); coding-DNA position 817, C replaced by A.
Protein change: p.Gln273Lys; replaces glutamine 273 with lysine.
Molecular consequence: missense variant.
Genome position (GRCh38, 1-based): chr1:244,862,521, G>T on the plus strand (C>A on the coding strand, the complement: HNRNPU is on the minus strand). VCF-style: chr1-244862521-G-T. GRCh37 (hg19) VCF-style: chr1-245025823-G-T.
Other names: c.760C>A, p.Gln254Lys (NM_004501.3); short protein forms Q254K, Q273K.
Identifiers: ClinVar variation 843161 (VCV000843161.10), dbSNP rs373483406, ClinGen allele CA40504138.